The following is an entry in ClinVar:

NM_007118.4(TRIO):c.5714G>A (p.Ser1905Asn)

Gene: TRIO (trio Rho guanine nucleotide exchange factor; plus strand). Cytogenetic location: 5p15.2.
Variant type: single nucleotide variant.
Coding change: c.5714G>A on transcript NM_007118.4 (MANE Select); coding-DNA position 5714, G replaced by A.
Protein change: p.Ser1905Asn; replaces serine 1905 with asparagine.
Molecular consequence: missense variant. On other transcripts: non-coding transcript variant (1).
Genome position (GRCh38, 1-based): chr5:14,465,591, G>A. VCF-style: chr5-14465591-G-A. GRCh37 (hg19) VCF-style: chr5-14465700-G-A.
Other names: short protein forms S1905N.
Identifiers: ClinVar variation 1804204 (VCV001804204.1), dbSNP rs2533523555, ClinGen allele CA359233209.

ClinVar aggregate classification (germline): Uncertain significance (1 of 4 stars; one submission).

Submission:

GeneDx
Classification: Uncertain significance. Last evaluated: 2022-06-17. Review status: criteria provided, single submitter. Criteria: GeneDx Variant Classification Process June 2021. Collection method: clinical testing. Allele origin: germline. Affected: yes.
Comment: Not observed at significant frequency in large population cohorts (gnomAD); In silico analysis supports that this missense variant does not alter protein structure/function; Has not been previously published as pathogenic or benign to our knowledge